The following is an entry in ClinVar:

ClinVar aggregate classification (germline): Pathogenic. Review status: criteria provided, multiple submitters, no conflicts (2 of 4 stars). 2 submissions from 2 submitters: Pathogenic (2). Last evaluated 2026-01-17.

Conditions:
Retinal disorder. Also called: Retinopathy; Retinopathies; Retinal Diseases; Retinal disorders. Identifiers: MedGen C0035309, MONDO:0005283, HP:0000488.

Submissions (2):

Labcorp Genetics (formerly Invitae), Labcorp
Classification: Pathogenic. Last evaluated: 2026-01-17. Review status: criteria provided, single submitter. Criteria: Invitae Variant Classification Sherloc (09022015). Collection method: clinical testing. Allele origin: germline.
Comment: This sequence change creates a premature translational stop signal (p.Cys1112Serfs*4) in the NBAS gene. It is expected to result in an absent or disrupted protein product. Loss-of-function variants in NBAS are known to be pathogenic (PMID: 26073778, 26541327, 27789416, 28031453). This variant is present in population databases (rs759596326, gnomAD 0.006%). This variant has not been reported in the literature in individuals affected with NBAS-related conditions. For these reasons, this variant has been classified as Pathogenic.

Genetics Laboratory, Great Ormond Street Hospital NHS Foundation Trust, North Thames Genomic Laboratory Hub
Classification: Pathogenic for Retinal disorders. Last evaluated: 2025-12-03. Review status: criteria provided, single submitter. Criteria: ACGS Best Practice Guidelines for Variant Classification in Rare Disease 2024 v1.2. Collection method: clinical testing. Allele origin: germline. Affected: yes.
Comment: PM2_moderate, PVS1_very-strong

Literature cited by the submitters: PubMed 26073778 (cited by Labcorp Genetics (formerly Invitae), Labcorp); PubMed 26541327 (cited by Labcorp Genetics (formerly Invitae), Labcorp); PubMed 27789416 (cited by Labcorp Genetics (formerly Invitae), Labcorp); PubMed 28031453 (cited by Labcorp Genetics (formerly Invitae), Labcorp).

NM_015909.4(NBAS):c.3333_3334del (p.Cys1112fs)

Gene: NBAS (NBAS subunit of NRZ tethering complex; minus strand). Cytogenetic location: 2p24.3.
Variant type: Deletion.
Coding change: c.3333_3334del on transcript NM_015909.4 (MANE Select); coding-DNA positions 3333 to 3334, 2 bases deleted (AT; older notation c.3333_3334delAT).
Protein change: p.Cys1112fs; shifts the reading frame from cysteine 1112.
Molecular consequence: frameshift variant. On other transcripts: non-coding transcript variant (1).
Genome position (GRCh38, 1-based): chr2:15,383,241-15,383,242, AT deleted on the plus strand (AT on the coding strand, the reverse complement: NBAS is on the minus strand). VCF-style (leftmost placement, unchanged base first): chr2-15383240-CAT-C. GRCh37 (hg19) VCF-style: chr2-15523364-CAT-C.
Other names: short protein forms C1112fs.
Identifiers: ClinVar variation 4688057 (VCV004688057.2).